The following is an entry in ClinVar:

ClinVar aggregate classification (germline): Pathogenic (1 of 4 stars; one submission).

Conditions:
Werner syndrome (WRN). Identifiers: Orphanet 902, MedGen C0043119, MONDO:0010196, OMIM 277700.

Submission:

Labcorp Genetics (formerly Invitae), Labcorp
Classification: Pathogenic for Werner syndrome. Last evaluated: 2025-04-28. Review status: criteria provided, single submitter. Criteria: Invitae Variant Classification Sherloc (09022015). Collection method: clinical testing. Allele origin: germline.
Comment: This sequence change creates a premature translational stop signal (p.Val159Cysfs*9) in the WRN gene. It is expected to result in an absent or disrupted protein product. Loss-of-function variants in WRN are known to be pathogenic (PMID: 16673358). This variant is not present in population databases (gnomAD no frequency). This variant has not been reported in the literature in individuals affected with WRN-related conditions. ClinVar contains an entry for this variant (Variation ID: 2762609). Algorithms developed to predict the effect of sequence changes on RNA splicing suggest that this variant may disrupt the consensus splice site. For these reasons, this variant has been classified as Pathogenic.

Literature cited by the submitters: PubMed 16673358.

NM_000553.6(WRN):c.474dup (p.Val159fs)

Gene: WRN (WRN RecQ like helicase; plus strand). Cytogenetic location: 8p12.
Variant type: Duplication.
Coding change: c.474dup on transcript NM_000553.6 (MANE Select); coding-DNA position 474, one base duplicated (T; older notation c.474dupT).
Protein change: p.Val159fs; shifts the reading frame from valine 159.
Molecular consequence: frameshift variant.
Genome position (GRCh38, 1-based): chr8:31,065,033, T duplicated; the last of 4 consecutive T bases (chr8:31,065,030-31,065,033); duplicating any one gives the same sequence. VCF-style (leftmost placement, unchanged base first): chr8-31065029-A-AT. GRCh37 (hg19) VCF-style: chr8-30922545-A-AT.
Other names: short protein forms V159fs.
Identifiers: ClinVar variation 2762609 (VCV002762609.3), dbSNP rs924770060, ClinGen allele CA174843047.